The following is an entry in ClinVar:

ClinVar aggregate classification (germline): Uncertain significance (1 of 4 stars; one submission).

Conditions:
Cardiovascular phenotype. Identifiers: MedGen CN230736.

Allele frequency attached by ClinVar (database versions not stated): gnomAD exomes below 0.00001; gnomAD 0.00001; TOPMed 0.00001.
gnomAD v4.1: 4 of 1,613,024 alleles (0.00025%); highest among the groups gnomAD compares: Non-Finnish European, 0.00034%; no homozygotes.

Submission:

Ambry Genetics
Classification: Uncertain significance for Cardiovascular phenotype. Last evaluated: 2019-06-14. Review status: criteria provided, single submitter. Criteria: Ambry Variant Classification Scheme 2023. Collection method: clinical testing. Allele origin: germline.
Comment: The p.S13516T variant (also known as c.40546T>A), located in coding exon 147 of the TTN gene, results from a T to A substitution at nucleotide position 40546. The serine at codon 13516 is replaced by threonine, an amino acid with similar properties. This amino acid position is not well conserved in available vertebrate species, and threonine is the reference amino acid in other vertebrate species. In addition, this alteration is predicted to be tolerated by BayesDel in silico analysis. Since supporting evidence is limited at this time, the clinical significance of this alteration remains unclear.

NM_001267550.2(TTN):c.67741T>A (p.Ser22581Thr)

Genes: TTN (titin; minus strand), TTN-AS1 (TTN antisense RNA 1; plus strand), LOC126806423 (CDK7 strongly-dependent group 2 enhancer GRCh37_chr2:179443309-179444508; plus strand). Cytogenetic location: 2q31.2.
Variant type: single nucleotide variant.
Coding change: c.67741T>A on transcript NM_001267550.2 (MANE Select); coding-DNA position 67741, T replaced by A.
Protein change: p.Ser22581Thr; replaces serine 22581 with threonine.
Molecular consequence: missense variant.
Genome position (GRCh38, 1-based): chr2:178,579,289, A>T on the plus strand (T>A on the coding strand, the complement: TTN is on the minus strand). VCF-style: chr2-178579289-A-T. GRCh37 (hg19) VCF-style: chr2-179444016-A-T.
Other names: c.62818T>A, p.Ser20940Thr (NM_001256850.1); c.40546T>A, p.Ser13516Thr (NM_003319.4); c.60037T>A, p.Ser20013Thr (NM_133378.4); c.40921T>A, p.Ser13641Thr (NM_133432.3); c.41122T>A, p.Ser13708Thr (NM_133437.4); short protein forms S13708T, S20013T, S13516T, S13641T, S20940T, S22581T.
Identifiers: ClinVar variation 1737395 (VCV001737395.2), dbSNP rs1318211232, ClinGen allele CA349423082.